The following is an entry in ClinVar:

NM_000489.6(ATRX):c.3473C>G (p.Ala1158Gly)

Gene: ATRX (ATRX chromatin remodeler; minus strand). Cytogenetic location: Xq21.1.
Variant type: single nucleotide variant.
Coding change: c.3473C>G on transcript NM_000489.6 (MANE Select); coding-DNA position 3473, C replaced by G.
Protein change: p.Ala1158Gly; replaces alanine 1158 with glycine.
Molecular consequence: missense variant.
Genome position (GRCh38, 1-based): chrX:77,681,783, G>C on the plus strand (C>G on the coding strand, the complement: ATRX is on the minus strand). VCF-style: chrX-77681783-G-C. GRCh37 (hg19) VCF-style: chrX-76937275-G-C.
Other names: c.3359C>G, p.Ala1120Gly (NM_138270.5); short protein forms A1120G, A1158G.
Identifiers: ClinVar variation 4687307 (VCV004687307.2).

ClinVar aggregate classification (germline): Uncertain significance. Review status: criteria provided, multiple submitters, no conflicts (2 of 4 stars). 2 submissions from 2 submitters: Uncertain significance (2). Last evaluated 2025-10-14.

Conditions:
Alpha thalassemia-X-linked intellectual disability syndrome (ATRX). Also called: ALPHA-THALASSEMIA/MENTAL RETARDATION SYNDROME, X-LINKED; ATR, NONDELETION TYPE; ATR-X syndrome; Alpha thalassemia mental retardation syndrome, nondeletion type, X-linked; XLMR hypotonic face syndrome; X-linked alpha-thalassemia-mental retardation syndrome. Identifiers: Orphanet 847, MedGen C1845055, MONDO:0010519, OMIM 301040.

gnomAD v4.1: 1 of 1,195,413 alleles (0.000084%); highest among the groups gnomAD compares: Admixed American, 0.0023%; no homozygotes.

Submissions (2):

Women's Health and Genetics/Laboratory Corporation of America, LabCorp
Classification: Uncertain significance. Last evaluated: 2025-10-14. Review status: criteria provided, single submitter. Criteria: LabCorp Variant Classification Summary - May 2015. Collection method: clinical testing. Allele origin: germline.
Comment: Variant summary: ATRX c.3473C>G (p.Ala1158Gly) results in a non-conservative amino acid change in the encoded protein sequence. Algorithms developed to predict the effect of missense changes on protein structure and function are either unavailable or do not agree on the potential impact of this missense change. The variant was absent in 168026 control chromosomes. The available data on variant occurrences in the general population are insufficient to allow any conclusion about variant significance. To our knowledge, no occurrence of c.3473C>G in individuals affected with ATRX-related conditions and no experimental evidence demonstrating its impact on protein function have been reported. No submitters have cited clinical-significance assessments for this variant to ClinVar. Based on the evidence outlined above, the variant was classified as uncertain significance.

Labcorp Genetics (formerly Invitae), Labcorp
Classification: Uncertain significance for Alpha thalassemia-X-linked intellectual disability syndrome. Last evaluated: 2025-08-14. Review status: criteria provided, single submitter. Criteria: Invitae Variant Classification Sherloc (09022015). Collection method: clinical testing. Allele origin: germline.
Comment: This sequence change replaces alanine, which is neutral and non-polar, with glycine, which is neutral and non-polar, at codon 1158 of the ATRX protein (p.Ala1158Gly). This variant is not present in population databases (gnomAD no frequency). This variant has not been reported in the literature in individuals affected with ATRX-related conditions. Invitae Evidence Modeling of protein sequence and biophysical properties (such as structural, functional, and spatial information, amino acid conservation, physicochemical variation, residue mobility, and thermodynamic stability) indicates that this missense variant is not expected to disrupt ATRX protein function with a negative predictive value of 95%. In summary, the available evidence is currently insufficient to determine the role of this variant in disease. Therefore, it has been classified as a Variant of Uncertain Significance.